The following is an entry in ClinVar:

NM_000540.3(RYR1):c.8812dup (p.Thr2938fs)

Gene: RYR1 (ryanodine receptor 1; plus strand). Cytogenetic location: 19q13.2.
Variant type: Duplication.
Coding change: c.8812dup on transcript NM_000540.3 (MANE Select); coding-DNA position 8812, one base duplicated (A; older notation c.8812dupA).
Protein change: p.Thr2938fs; shifts the reading frame from threonine 2938.
Molecular consequence: frameshift variant.
Genome position (GRCh38, 1-based): chr19:38,506,948, A duplicated. VCF-style (leftmost placement, unchanged base first): chr19-38506947-T-TA. GRCh37 (hg19) VCF-style: chr19-38997587-T-TA.
Other names: c.8812dup, p.Thr2938fs (NM_001042723.2); c.8812dupA (NM_000540.2); short protein forms T2938fs.
Identifiers: ClinVar variation 544385 (VCV000544385.6), dbSNP rs1555785906, ClinGen allele CA658799209.
Genomic context (GRCh38, chr19:38,506,947, plus strand): 5'-ACGAGATCGAGAGAAGGCCCAGGAGCTACTGAAATTCCTGCAGATGAATGGCTACGCGGT[T>TA]ACAAGGCACGCGGGTTGGGGCTCCCGCGGAAGAGCAGCAGGCAGAACACACCCGGCAAAG-3'

ClinVar aggregate classification (germline): Pathogenic (1 of 4 stars; one submission).

Conditions:
RYR1-related disorder. Also called: RYR1-related condition; RYR1-related disorders. Identifiers: MedGen CN239331.

Submission:

Labcorp Genetics (formerly Invitae), Labcorp
Classification: Pathogenic for RYR1-related disorder. Last evaluated: 2023-08-04. Review status: criteria provided, single submitter. Criteria: Invitae Variant Classification Sherloc (09022015). Collection method: clinical testing. Allele origin: germline.
Comment: For these reasons, this variant has been classified as Pathogenic. ClinVar contains an entry for this variant (Variation ID: 544385). This variant has not been reported in the literature in individuals affected with RYR1-related conditions. This variant is not present in population databases (gnomAD no frequency). This sequence change creates a premature translational stop signal (p.Thr2938Asnfs*5) in the RYR1 gene. It is expected to result in an absent or disrupted protein product. Loss-of-function variants in RYR1 are known to be pathogenic (PMID: 23919265, 25960145, 28818389, 30611313).

Literature cited by the submitters: PubMed 23919265; PubMed 25960145; PubMed 28818389; PubMed 30611313.